The following is an entry in ClinVar:

ClinVar aggregate classification (germline): Uncertain significance (1 of 4 stars; one submission).

Allele frequency attached by ClinVar (database versions not stated): gnomAD 0.00001; TOPMed 0.00001; ExAC 0.00003.
gnomAD v4.1: 32 of 1,612,374 alleles (0.002%); highest among the groups gnomAD compares: Non-Finnish European, 0.0024%; no homozygotes.

Submission:

Labcorp Genetics (formerly Invitae), Labcorp
Classification: Uncertain significance. Last evaluated: 2022-04-08. Review status: criteria provided, single submitter. Criteria: Invitae Variant Classification Sherloc (09022015). Collection method: clinical testing. Allele origin: germline.
Comment: Experimental studies and prediction algorithms are not available or were not evaluated, and the functional significance of this variant is currently unknown. This variant has not been reported in the literature in individuals affected with MYH7B-related conditions. This variant is present in population databases (rs780174991, gnomAD 0.003%). This sequence change creates a premature translational stop signal (p.Arg76*) in the MYH7B gene. It is expected to result in an absent or disrupted protein product. However, the current clinical and genetic evidence is not sufficient to establish whether loss-of-function variants in MYH7B cause disease. Algorithms developed to predict the effect of sequence changes on RNA splicing suggest that this variant may create or strengthen a splice site. In summary, the available evidence is currently insufficient to determine the role of this variant in disease. Therefore, it has been classified as a Variant of Uncertain Significance.

NM_020884.7(MYH7B):c.100C>T (p.Arg34Ter)

Gene: MYH7B (myosin heavy chain 7B; plus strand). Cytogenetic location: 20q11.22.
Variant type: single nucleotide variant.
Coding change: c.100C>T on transcript NM_020884.7 (MANE Select); coding-DNA position 100, C replaced by T.
Protein change: p.Arg34Ter; replaces arginine 34 with a stop codon.
Molecular consequence: nonsense.
Genome position (GRCh38, 1-based): chr20:34,979,398, C>T. VCF-style: chr20-34979398-C-T. GRCh37 (hg19) VCF-style: chr20-33567201-C-T.
Other names: short protein forms R34*.
Identifiers: ClinVar variation 2421017 (VCV002421017.6), dbSNP rs780174991, ClinGen allele CA9826311.